The following is an entry in ClinVar:

ClinVar aggregate classification (germline): Uncertain significance (1 of 4 stars; one submission).

Conditions:
Myoclonic dystonia 26. Identifiers: MedGen C4225341, MONDO:0014620, OMIM 616398.

Submission:

Labcorp Genetics (formerly Invitae), Labcorp
Classification: Uncertain significance for Myoclonic dystonia 26. Last evaluated: 2025-09-02. Review status: criteria provided, single submitter. Criteria: Invitae Variant Classification Sherloc (09022015). Collection method: clinical testing. Allele origin: germline.
Comment: This sequence change replaces threonine, which is neutral and polar, with methionine, which is neutral and non-polar, at codon 3 of the KCTD17 protein (p.Thr3Met). This variant is not present in population databases (gnomAD no frequency). This variant has not been reported in the literature in individuals affected with KCTD17-related conditions. ClinVar contains an entry for this variant (Variation ID: 3678284). An algorithm developed to predict the effect of missense changes on protein structure and function (PolyPhen-2) suggests that this variant is likely to be disruptive. In summary, the available evidence is currently insufficient to determine the role of this variant in disease. Therefore, it has been classified as a Variant of Uncertain Significance.

NM_001282684.2(KCTD17):c.-14C>T

Genes: KCTD17 (potassium channel tetramerization domain containing 17; plus strand), LOC130067340 (ATAC-STARR-seq lymphoblastoid silent region 13677; plus strand). Cytogenetic location: 22q12.3.
Variant type: single nucleotide variant.
Coding change: c.-14C>T on transcript NM_001282684.2 (MANE Select); 14 bases upstream of the start codon, C replaced by T.
Molecular consequence: 5 prime UTR variant.
Genome position (GRCh38, 1-based): chr22:37,051,747, C>T. VCF-style: chr22-37051747-C-T. GRCh37 (hg19) VCF-style: chr22-37447787-C-T.
Other names: c.-14C>T (NM_001282685.2, NM_001282686.2, NM_024681.4).
Identifiers: ClinVar variation 3678284 (VCV003678284.2).